The following is an entry in ClinVar:

ClinVar aggregate classification (germline): Pathogenic (1 of 4 stars; one submission).

Submission:

GeneDx
Classification: Pathogenic. Last evaluated: 2024-12-19. Review status: criteria provided, single submitter. Criteria: GeneDx Variant Classification Process June 2021. Collection method: clinical testing. Allele origin: germline. Affected: yes.
Comment: Nonsense variant predicted to result in protein truncation or nonsense mediated decay in a gene for which loss of function is a known mechanism of disease; Not observed at significant frequency in large population cohorts (gnomAD); This variant is associated with the following publications: (PMID: 36434256, Aspromonte2024[CaseReport])

NM_004187.5(KDM5C):c.2851C>T (p.Arg951Ter)

Gene: KDM5C (lysine demethylase 5C; minus strand). Cytogenetic location: Xp11.22.
Variant type: single nucleotide variant.
Coding change: c.2851C>T on transcript NM_004187.5 (MANE Select); coding-DNA position 2851, C replaced by T.
Protein change: p.Arg951Ter; replaces arginine 951 with a stop codon.
Molecular consequence: nonsense. On other transcripts: non-coding transcript variant (3).
Genome position (GRCh38, 1-based): chrX:53,196,816, G>A on the plus strand (C>T on the coding strand, the complement: KDM5C is on the minus strand). VCF-style: chrX-53196816-G-A. GRCh37 (hg19) VCF-style: chrX-53225998-G-A.
Other names: c.2650C>T, p.Arg884Ter (NM_001146702.2); c.2848C>T, p.Arg950Ter (NM_001282622.3, NM_001353979.2, NM_001353982.2); c.2851C>T, p.Arg951Ter (NM_001353978.3, NM_001353981.2, NM_001353984.2); short protein forms R884*, R950*, R951*.
Identifiers: ClinVar variation 1191492 (VCV001191492.4), dbSNP rs1556837277, ClinGen allele CA413112566.